The following is an entry in ClinVar:

ClinVar aggregate classification (germline): Uncertain significance (1 of 4 stars; one submission).

Conditions:
Inborn genetic diseases. Identifiers: MedGen C0950123, MeSH D030342.

Submission:

Ambry Genetics
Classification: Uncertain significance for Inborn genetic diseases. Last evaluated: 2024-12-07. Review status: criteria provided, single submitter. Criteria: Ambry Variant Classification Scheme 2023. Collection method: clinical testing. Allele origin: germline.
Comment: The p.M357L variant (also known as c.1069A>C), located in coding exon 6 of the ERCC6L2 gene, results from an A to C substitution at nucleotide position 1069. The methionine at codon 357 is replaced by leucine, an amino acid with highly similar properties. This amino acid position is conserved. In addition, the in silico prediction for this alteration is inconclusive. Based on the available evidence, the clinical significance of this variant remains unclear.

NM_020207.7(ERCC6L2):c.1069A>C (p.Met357Leu)

Gene: ERCC6L2 (ERCC excision repair 6 like 2; plus strand). Cytogenetic location: 9q22.32.
Variant type: single nucleotide variant.
Coding change: c.1069A>C on transcript NM_020207.7 (MANE Select); coding-DNA position 1069, A replaced by C.
Protein change: p.Met357Leu; replaces methionine 357 with leucine.
Molecular consequence: missense variant. On other transcripts: non-coding transcript variant (1).
Genome position (GRCh38, 1-based): chr9:95,916,345, A>C. VCF-style: chr9-95916345-A-C. GRCh37 (hg19) VCF-style: chr9-98678627-A-C.
Other names: c.1069A>C, p.Met357Leu (NM_001010895.4, NM_001375291.1, NM_001375292.1 and 2 more transcripts); short protein forms M357L.
Identifiers: ClinVar variation 3510023 (VCV003510023.1).
Genomic context (GRCh38, chr9:95,916,345, plus strand): 5'-GTAGAACATGGTCAGAGACACACGGCAACAAAGAGAGAACTAGCCACTGGCCGAAAGGCC[A>C]TGCAAAGACTTGCCAAAAAGATGTCTGGCTGGTTTCTCAGGCGCACCAAGACTCTTATCA-3'
Protein context (NP_064592.3, residues 347-367): KRELATGRKA[Met357Leu]QRLAKKMSGW